The following is an entry in ClinVar:

ClinVar aggregate classification (germline): Likely pathogenic (1 of 4 stars; one submission).

Conditions:
Familial dysautonomia. Also called: HSAN III; FD. Identifiers: Orphanet 1764, MedGen C0013364, MONDO:0009131, OMIM 223900. Disease mechanism: loss of function.

Submission:

Natera, Inc.
Classification: Likely pathogenic for Familial dysautonomia. Last evaluated: 2025-06-02. Review status: criteria provided, single submitter. Criteria: Natera Variant Classification Schema (03/2026). Collection method: clinical testing. Allele origin: germline.
Comment: The c.1203del variant in ELP1 is a frameshift variant predicted to shift the reading frame beginning at codon 402 and leads to a stop codon 23 codons downstream. This variant is expected to result in nonsense mediated decay, truncation, or a dysfunctional protein product. This variant is rare in the general population with a frequency below the threshold expected for the associated phenotype(s). Given the available evidence, this variant is classified as Likely Pathogenic.

NM_003640.5(ELP1):c.1203del (p.Thr402fs)

Gene: ELP1 (elongator acetyltransferase complex subunit 1; minus strand). Cytogenetic location: 9q31.3.
Variant type: Deletion.
Coding change: c.1203del on transcript NM_003640.5 (MANE Select); coding-DNA position 1203, one base deleted (G; older notation c.1203delG).
Protein change: p.Thr402fs; shifts the reading frame from threonine 402.
Molecular consequence: frameshift variant.
Genome position (GRCh38, 1-based): chr9:108,911,167, C deleted on the plus strand (G on the coding strand, the reverse complement: ELP1 is on the minus strand). VCF-style (leftmost placement, unchanged base first): chr9-108911166-TC-T. GRCh37 (hg19) VCF-style: chr9-111673446-TC-T.
Other names: c.861del, p.Thr288fs (NM_001318360.2); c.156del, p.Thr53fs (NM_001330749.2); short protein forms T288fs, T402fs, T53fs.
Identifiers: ClinVar variation 4815170 (VCV004815170.1).